The following is an entry in ClinVar:

ClinVar aggregate classification (germline): Uncertain significance (1 of 4 stars; one submission).

Allele frequency attached by ClinVar (database versions not stated): gnomAD exomes below 0.00001.
gnomAD v4.1: 1 of 1,609,466 alleles (0.000062%); highest among the groups gnomAD compares: Admixed American, 0.0017%; no homozygotes.

Submission:

Labcorp Genetics (formerly Invitae), Labcorp
Classification: Uncertain significance. Last evaluated: 2022-10-13. Review status: criteria provided, single submitter. Criteria: Invitae Variant Classification Sherloc (09022015). Collection method: clinical testing. Allele origin: germline.
Comment: This sequence change replaces glutamic acid, which is acidic and polar, with lysine, which is basic and polar, at codon 1092 of the MPDZ protein (p.Glu1092Lys). In summary, the available evidence is currently insufficient to determine the role of this variant in disease. Therefore, it has been classified as a Variant of Uncertain Significance. Algorithms developed to predict the effect of missense changes on protein structure and function (SIFT, PolyPhen-2, Align-GVGD) all suggest that this variant is likely to be disruptive. This variant has not been reported in the literature in individuals affected with MPDZ-related conditions. This variant is not present in population databases (gnomAD no frequency).

NM_001378778.1(MPDZ):c.3274G>A (p.Glu1092Lys)

Gene: MPDZ (multiple PDZ domain crumbs cell polarity complex component; minus strand). Cytogenetic location: 9p23.
Variant type: single nucleotide variant.
Coding change: c.3274G>A on transcript NM_001378778.1 (MANE Select); coding-DNA position 3274, G replaced by A.
Protein change: p.Glu1092Lys; replaces glutamic acid 1092 with lysine.
Molecular consequence: missense variant. On other transcripts: intron variant (1).
Genome position (GRCh38, 1-based): chr9:13,162,776, C>T on the plus strand (G>A on the coding strand, the complement: MPDZ is on the minus strand). VCF-style: chr9-13162776-C-T. GRCh37 (hg19) VCF-style: chr9-13162775-C-T.
Other names: c.3274G>A, p.Glu1092Lys (NM_001261406.2, NM_001261407.2, NM_001330637.2 and 13 more transcripts); c.3254+5590G>A (NM_001375427.1); short protein forms E1092K.
Identifiers: ClinVar variation 1995451 (VCV001995451.4), dbSNP rs368588888, ClinGen allele CA372952239.